The following is an entry in ClinVar:

ClinVar aggregate classification (germline): Likely benign (1 of 4 stars; one submission).

Allele frequency attached by ClinVar (database versions not stated): ESP Exome Variant Server 0.00008.
gnomAD v4.1: 2 of 1,612,108 alleles (0.00012%); highest among the groups gnomAD compares: African/African-American, 0.0013%; no homozygotes.

Submission:

GeneDx
Classification: Likely benign. Last evaluated: 2017-03-30. Review status: criteria provided, single submitter. Criteria: GeneDx Variant Classification (06012015). Collection method: clinical testing. Allele origin: germline. Affected: yes.
Comment: This variant is considered likely benign or benign based on one or more of the following criteria: it is a conservative change, it occurs at a poorly conserved position in the protein, it is predicted to be benign by multiple in silico algorithms, and/or has population frequency not consistent with disease.

NM_058216.3(RAD51C):c.-41T>A

Gene: RAD51C (RAD51 paralog C; plus strand). Cytogenetic location: 17q22.
Variant type: single nucleotide variant.
Coding change: c.-41T>A on transcript NM_058216.3 (MANE Select); 41 bases upstream of the start codon, T replaced by A.
Molecular consequence: 5 prime UTR variant. On other transcripts: non-coding transcript variant (2).
Genome position (GRCh38, 1-based): chr17:58,692,603, T>A. VCF-style: chr17-58692603-T-A. GRCh37 (hg19) VCF-style: chr17-56769964-T-A.
Other names: c.-41T>A (NM_002876.4).
Identifiers: ClinVar variation 378456 (VCV000378456.1), dbSNP rs373116323, ClinGen allele CA8677096.